The following is an entry in ClinVar:

NM_000551.4(VHL):c.465G>T (p.Val155=)

Genes: VHL (von Hippel-Lindau tumor suppressor; plus strand), LOC107303340 (3p25 von Hippel-Lindau tumor suppressor, E3 ubiquitin protein ligase Alu-mediated recombination region; plus strand). Cytogenetic location: 3p25.3.
Variant type: single nucleotide variant.
Coding change: c.465G>T on transcript NM_000551.4 (MANE Select); coding-DNA position 465, G replaced by T.
Protein change: p.Val155=; no amino-acid change (valine 155 retained).
Molecular consequence: synonymous variant. On other transcripts: 3 prime UTR variant (1).
Genome position (GRCh38, 1-based): chr3:10,149,788, G>T. VCF-style: chr3-10149788-G-T. GRCh37 (hg19) VCF-style: chr3-10191472-G-T.
Other names: c.*19G>T (NM_001354723.2); c.342G>T, p.Val114= (NM_198156.3); c.465G>T (NM_000551.3).
Identifiers: ClinVar variation 1646187 (VCV001646187.10), dbSNP rs1696354036, ClinGen allele CA432423038.

ClinVar aggregate classification (germline): Benign/Likely benign. Review status: criteria provided, multiple submitters, no conflicts (2 of 4 stars). 3 submissions from 3 submitters: Benign (1); Likely benign (2). Last evaluated 2026-05-02.

Conditions:
Von Hippel-Lindau syndrome (VHLS). Also called: Von Hippel-Lindau; von Hippel–Lindau syndrome; VHL syndrome. Identifiers: Orphanet 892, MedGen C0019562, MONDO:0008667, OMIM 193300. Disease mechanism: loss of function.
Chuvash polycythemia. Also called: POLYCYTHEMIA, VHL-DEPENDENT. Identifiers: Orphanet 238557, MedGen C1837915, MONDO:0009892, OMIM 263400.
Hereditary cancer-predisposing syndrome. Also called: Hereditary Cancer Syndrome; Neoplastic Syndromes, Hereditary; Hereditary neoplastic syndrome; Tumor predisposition. Identifiers: Orphanet 140162, MedGen C0027672, MeSH D009386, MONDO:0015356.

Submissions (3):

Ambry Genetics
Classification: Likely benign for Hereditary cancer-predisposing syndrome. Last evaluated: 2026-05-02. Review status: criteria provided, single submitter. Criteria: Ambry Variant Classification Scheme 2023. Collection method: clinical testing. Allele origin: germline.

Myriad Genetics, Inc.
Classification: Benign for Von Hippel-Lindau syndrome. Last evaluated: 2025-06-12. Review status: criteria provided, single submitter. Criteria: Myriad Autosomal Dominant, Autosomal Recessive and X-Linked Classification Criteria (2023). Collection method: clinical testing. Allele origin: unknown.
Comment: This variant is considered benign. This variant is a silent/synonymous amino acid change and it is not expected to impact splicing.

Labcorp Genetics (formerly Invitae), Labcorp
Classification: Likely benign for Von Hippel-Lindau syndrome; Chuvash polycythemia. Last evaluated: 2024-08-24. Review status: criteria provided, single submitter. Criteria: Invitae Variant Classification Sherloc (09022015). Collection method: clinical testing. Allele origin: germline.